The following is an entry in ClinVar:

NM_005529.7(HSPG2):c.448G>T (p.Val150Leu)

Gene: HSPG2 (heparan sulfate proteoglycan 2; minus strand). Cytogenetic location: 1p36.12.
Variant type: single nucleotide variant.
Coding change: c.448G>T on transcript NM_005529.7 (MANE Select); coding-DNA position 448, G replaced by T.
Protein change: p.Val150Leu; replaces valine 150 with leucine.
Molecular consequence: missense variant.
Genome position (GRCh38, 1-based): chr1:21,890,107, C>A on the plus strand (G>T on the coding strand, the complement: HSPG2 is on the minus strand). VCF-style: chr1-21890107-C-A. GRCh37 (hg19) VCF-style: chr1-22216600-C-A.
Other names: c.448G>T, p.Val150Leu (NM_001291860.2); c.448G>T (NM_005529.5); short protein forms V150L.
Identifiers: ClinVar variation 1521965 (VCV001521965.6), dbSNP rs773751191, ClinGen allele CA673874.
Genomic context (GRCh38, chr1:21,890,107, plus strand): 5'-AGATGACCCTGAGCAGCATCTCCTGAATCTGAGCCCCATCCGCATTCCCTTCCGAGCCCA[C>A]ATCCAGCTCCACAAAAACCCAGCCATCCAGCTCCCTGGGGATGGAGACAGGCAGGAGAGG-3'
Protein context (NP_005520.4, residues 140-160): LDGWVFVELD[Val150Leu]GSEGNADGAQ

ClinVar aggregate classification (germline): Uncertain significance. Review status: criteria provided, multiple submitters, no conflicts (2 of 4 stars). 2 submissions from 2 submitters: Uncertain significance (2). Last evaluated 2024-09-04.

Conditions:
Inborn genetic diseases. Identifiers: MedGen C0950123, MeSH D030342.

Allele frequency attached by ClinVar (database versions not stated): gnomAD exomes below 0.00001 and 0.00001; ExAC 0.00001.
gnomAD v4.1: 7 of 1,614,110 alleles (0.00043%); highest among the groups gnomAD compares: South Asian, 0.0033%; no homozygotes.

Submissions (2):

Ambry Genetics
Classification: Uncertain significance for Inborn genetic diseases. Last evaluated: 2024-09-04. Review status: criteria provided, single submitter. Criteria: Ambry Variant Classification Scheme 2023. Collection method: clinical testing. Allele origin: germline.

Labcorp Genetics (formerly Invitae), Labcorp
Classification: Uncertain significance. Last evaluated: 2022-06-20. Review status: criteria provided, single submitter. Criteria: Invitae Variant Classification Sherloc (09022015). Collection method: clinical testing. Allele origin: germline.
Comment: This sequence change replaces valine, which is neutral and non-polar, with leucine, which is neutral and non-polar, at codon 150 of the HSPG2 protein (p.Val150Leu). This variant is present in population databases (rs773751191, gnomAD 0.003%). This variant has not been reported in the literature in individuals affected with HSPG2-related conditions. Algorithms developed to predict the effect of missense changes on protein structure and function are either unavailable or do not agree on the potential impact of this missense change (SIFT: "Deleterious"; PolyPhen-2: "Probably Damaging"; Align-GVGD: "Class C0"). In summary, the available evidence is currently insufficient to determine the role of this variant in disease. Therefore, it has been classified as a Variant of Uncertain Significance.